The following is an entry in ClinVar:

ClinVar aggregate classification (germline): Benign (1 of 4 stars; one submission).

Allele frequency attached by ClinVar (database versions not stated): TOPMed 0.01493; 1000 Genomes Project 0.01518; 1000 Genomes Project 30x 0.01608.

Submission:

GeneDx
Classification: Benign. Last evaluated: 2016-05-25. Review status: criteria provided, single submitter. Criteria: GeneDx Variant Classification (06012015). Collection method: clinical testing. Allele origin: germline. Affected: yes.
Comment: This variant is considered likely benign or benign based on one or more of the following criteria: it is a conservative change, it occurs at a poorly conserved position in the protein, it is predicted to be benign by multiple in silico algorithms, and/or has population frequency not consistent with disease.

NM_032806.6(POMGNT2):c.-106+19T>C

Gene: POMGNT2 (protein O-linked mannose N-acetylglucosaminyltransferase 2 (beta 1,4-); minus strand). Cytogenetic location: 3p22.1.
Variant type: single nucleotide variant.
Coding change: c.-106+19T>C on transcript NM_032806.6 (MANE Select); 19 bases into the intron after 106 bases upstream of the start codon, T replaced by C.
Molecular consequence: intron variant.
Genome position (GRCh38, 1-based): chr3:43,105,817, A>G on the plus strand (T>C on the coding strand, the complement: POMGNT2 is on the minus strand). VCF-style: chr3-43105817-A-G. GRCh37 (hg19) VCF-style: chr3-43147309-A-G.
Identifiers: ClinVar variation 382923 (VCV000382923.1), dbSNP rs561212028, ClinGen allele CA16604474.